The following is an entry in ClinVar:

ClinVar aggregate classification (germline): Likely benign. Review status: criteria provided, single submitter (1 of 4 stars). 2 submissions from 2 submitters: Likely benign (1). 1 of the submissions does not count toward it. Last evaluated 2023-02-01.

Conditions:
SETD1B-related disorder. Also called: SETD1B-related condition.

Allele frequency attached by ClinVar (database versions not stated): ExAC 0.00005; ESP Exome Variant Server 0.00022; gnomAD 0.00029; TOPMed 0.00034; gnomAD exomes 0.00043.
gnomAD v4.1: 655 of 1,551,442 alleles (0.042%); highest among the groups gnomAD compares: Non-Finnish European, 0.052%; no homozygotes.

Submissions (2):

CeGaT Center for Human Genetics Tuebingen
Classification: Likely benign. Last evaluated: 2023-02-01. Review status: criteria provided, single submitter. Criteria: CeGaT Center For Human Genetics Tuebingen Variant Classification Criteria Version 2. Collection method: clinical testing. Allele origin: germline. Affected: yes. Observed: 2 variant alleles.
Comment: SETD1B: BP4, BP7

PreventionGenetics, part of Exact Sciences
Classification: Likely benign for SETD1B-related condition. Last evaluated: 2019-06-11. Review status: no assertion criteria provided. Collection method: clinical testing. Allele origin: germline. Not counted in ClinVar's aggregate classification.
Comment: This variant is classified as likely benign based on ACMG/AMP sequence variant interpretation guidelines (Richards et al. 2015 PMID: 25741868, with internal and published modifications).

NM_001353345.2(SETD1B):c.3147G>A (p.Ala1049=)

Gene: SETD1B (SET domain containing 1B, histone lysine methyltransferase; plus strand). Cytogenetic location: 12q24.31.
Variant type: single nucleotide variant.
Coding change: c.3147G>A on transcript NM_001353345.2 (MANE Select); coding-DNA position 3147, G replaced by A.
Protein change: p.Ala1049=; no amino-acid change (alanine 1049 retained).
Molecular consequence: synonymous variant.
Genome position (GRCh38, 1-based): chr12:121,817,539, G>A. VCF-style: chr12-121817539-G-A. GRCh37 (hg19) VCF-style: chr12-122255445-G-A.
Other names: c.3147G>A (NM_001353345.1).
Identifiers: ClinVar variation 2643460 (VCV002643460.25), dbSNP rs374996014, ClinGen allele CA6839019.